The following is an entry in ClinVar:

ClinVar aggregate classification (germline): Uncertain significance (1 of 4 stars; one submission).

Conditions:
Congenital myotonia, autosomal dominant form (THD). Also called: THOMSEN DISEASE; Myotonia congenita autosomal dominant. Identifiers: Orphanet 614, MedGen C2936781, MONDO:0008055, OMIM 160800.
Congenital myotonia, autosomal recessive form. Also called: BECKER DISEASE; Becker Generalized Myotonia; myotonia congenita, autosomal recessive. Identifiers: Orphanet 614, MedGen C0751360, MONDO:0009715, OMIM 255700.

Submission:

Labcorp Genetics (formerly Invitae), Labcorp
Classification: Uncertain significance for Congenital myotonia, autosomal recessive form; Congenital myotonia, autosomal dominant form. Last evaluated: 2022-02-03. Review status: criteria provided, single submitter. Criteria: Invitae Variant Classification Sherloc (09022015). Collection method: clinical testing. Allele origin: germline.
Comment: ClinVar contains an entry for this variant (Variation ID: 659933). In summary, the available evidence is currently insufficient to determine the role of this variant in disease. Therefore, it has been classified as a Variant of Uncertain Significance. Algorithms developed to predict the effect of sequence changes on RNA splicing suggest that this variant may create or strengthen a splice site. Advanced modeling of protein sequence and biophysical properties (such as structural, functional, and spatial information, amino acid conservation, physicochemical variation, residue mobility, and thermodynamic stability) performed at Invitae indicates that this missense variant is expected to disrupt CLCN1 protein function. This variant has not been reported in the literature in individuals affected with CLCN1-related conditions. This variant is not present in population databases (gnomAD no frequency). This sequence change replaces glycine, which is neutral and non-polar, with arginine, which is basic and polar, at codon 280 of the CLCN1 protein (p.Gly280Arg).

NM_000083.3(CLCN1):c.838G>A (p.Gly280Arg)

Gene: CLCN1 (chloride voltage-gated channel 1; plus strand). Cytogenetic location: 7q34.
Variant type: single nucleotide variant.
Coding change: c.838G>A on transcript NM_000083.3 (MANE Select); coding-DNA position 838, G replaced by A.
Protein change: p.Gly280Arg; replaces glycine 280 with arginine.
Molecular consequence: missense variant. On other transcripts: non-coding transcript variant (1).
Genome position (GRCh38, 1-based): chr7:143,324,477, G>A. VCF-style: chr7-143324477-G-A. GRCh37 (hg19) VCF-style: chr7-143021570-G-A.
Other names: short protein forms G280R.
Identifiers: ClinVar variation 659933 (VCV000659933.8), dbSNP rs80190110, ClinGen allele CA369687595.